The following is an entry in ClinVar:

NM_000089.4(COL1A2):c.3463T>A (p.Ser1155Thr)

Gene: COL1A2 (collagen type I alpha 2 chain; plus strand). Cytogenetic location: 7q21.3.
Variant type: single nucleotide variant.
Coding change: c.3463T>A on transcript NM_000089.4 (MANE Select); coding-DNA position 3463, T replaced by A.
Protein change: p.Ser1155Thr; replaces serine 1155 with threonine.
Molecular consequence: missense variant.
Genome position (GRCh38, 1-based): chr7:94,427,822, T>A. VCF-style: chr7-94427822-T-A. GRCh37 (hg19) VCF-style: chr7-94057134-T-A.
Other names: short protein forms S1155T.
Identifiers: ClinVar variation 2636228 (VCV002636228.7), dbSNP rs577182625, ClinGen allele CA4347763.

ClinVar aggregate classification (germline): Uncertain significance. Review status: criteria provided, multiple submitters, no conflicts (2 of 4 stars). 4 submissions from 4 submitters: Uncertain significance (4). Last evaluated 2026-08-31.

Conditions:
Cardiovascular phenotype. Identifiers: MedGen CN230736.
Osteogenesis imperfecta type I (OI1). Also called: OI, TYPE I; OSTEOGENESIS IMPERFECTA TARDA; OSTEOGENESIS IMPERFECTA WITH BLUE SCLERAE; Osteogenesis imperfecta type 1; Lobstein's Disease; Lobstein disease. Identifiers: Orphanet 216796, Orphanet 666, MedGen C0023931, MONDO:0008146, OMIM 166200. Disease mechanism: loss of function.
Ehlers-Danlos syndrome, classic type, 1 (EDSCL1). Also called: EHLERS-DANLOS SYNDROME, GRAVIS TYPE; EHLERS-DANLOS SYNDROME, SEVERE CLASSIC TYPE; Ehlers-Danlos Syndrome, Classic Type, COL5A1-Related; Ehlers-Danlos syndrome, type 1; EDS I. Identifiers: MedGen C0268335, MONDO:0019567, OMIM 130000.
COL1A2-related disorder. Also called: COL1A2-related condition; COL1A2-Related Disorders.

Allele frequency attached by ClinVar (database versions not stated): gnomAD exomes below 0.00001; ExAC 0.00001; TOPMed 0.00005; gnomAD 0.00007.
gnomAD v4.1: 13 of 1,614,122 alleles (0.00081%); highest among the groups gnomAD compares: African/African-American, 0.016%; no homozygotes.

Submissions (4):

Ambry Genetics
Classification: Uncertain significance for Cardiovascular phenotype. Last evaluated: 2026-08-31. Review status: criteria provided, single submitter. Criteria: Ambry Variant Classification Scheme 2023. Collection method: clinical testing. Allele origin: germline.
Comment: The p.S1155T variant (also known as c.3463T>A), located in coding exon 49 of the COL1A2 gene, results from a T to A substitution at nucleotide position 3463. The serine at codon 1155 is replaced by threonine, an amino acid with similar properties. This amino acid position is conserved. In addition, this alteration is predicted to be tolerated by in silico analysis. Based on the available evidence, the clinical significance of this variant remains unclear.

Women's Health and Genetics/Laboratory Corporation of America, LabCorp
Classification: Uncertain significance. Last evaluated: 2026-03-17. Review status: criteria provided, single submitter. Criteria: LabCorp Variant Classification Summary - May 2015. Collection method: clinical testing. Allele origin: germline.
Comment: Variant summary: COL1A2 c.3463T>A (p.Ser1155Thr) results in a conservative amino acid change in the encoded protein sequence. Algorithms developed to predict the effect of missense changes on protein structure and function are either unavailable or do not agree on the potential impact of this missense change. The variant allele was found at a frequency of 8e-06 in 250808 control chromosomes. The available data on variant occurrences in the general population are insufficient to allow any conclusion about variant significance. To our knowledge, no occurrence of c.3463T>A in individuals affected with COL1A2-related conditions and no experimental evidence demonstrating its impact on protein function have been reported. ClinVar contains an entry for this variant (Variation ID: 2636228). Based on the evidence outlined above, the variant was classified as uncertain significance.

Labcorp Genetics (formerly Invitae), Labcorp
Classification: Uncertain significance for Osteogenesis imperfecta type I; Ehlers-Danlos syndrome, classic type, 1. Last evaluated: 2025-11-08. Review status: criteria provided, single submitter. Criteria: Invitae Variant Classification Sherloc (09022015). Collection method: clinical testing. Allele origin: germline.
Comment: This sequence change replaces serine, which is neutral and polar, with threonine, which is neutral and polar, at codon 1155 of the COL1A2 protein (p.Ser1155Thr). This variant is present in population databases (rs577182625, gnomAD 0.02%). This variant has not been reported in the literature in individuals affected with COL1A2-related conditions. ClinVar contains an entry for this variant (Variation ID: 2636228). Invitae Evidence Modeling of protein sequence and biophysical properties (such as structural, functional, and spatial information, amino acid conservation, physicochemical variation, residue mobility, and thermodynamic stability) indicates that this missense variant is not expected to disrupt COL1A2 protein function with a negative predictive value of 95%. In summary, the available evidence is currently insufficient to determine the role of this variant in disease. Therefore, it has been classified as a Variant of Uncertain Significance.

PreventionGenetics, part of Exact Sciences
Classification: Uncertain significance for COL1A2-related condition. Last evaluated: 2024-12-17. Review status: criteria provided, single submitter. Criteria: ACMG Guidelines, 2015. Collection method: clinical testing. Allele origin: germline.
Comment: The COL1A2 c.3463T>A variant is predicted to result in the amino acid substitution p.Ser1155Thr. To our knowledge, this variant has not been reported in the literature. This variant is reported in 0.020% of alleles in individuals of African descent in gnomAD. At this time, the clinical significance of this variant is uncertain due to the absence of conclusive functional and genetic evidence.